The following is an entry in ClinVar:

NM_001100.4(ACTA1):c.1074G>T (p.Trp358Cys)

Gene: ACTA1 (actin alpha 1, skeletal muscle; minus strand). Cytogenetic location: 1q42.13.
Variant type: single nucleotide variant.
Coding change: c.1074G>T on transcript NM_001100.4 (MANE Select); coding-DNA position 1074, G replaced by T.
Protein change: p.Trp358Cys; replaces tryptophan 358 with cysteine.
Molecular consequence: missense variant.
Genome position (GRCh38, 1-based): chr1:229,431,559, C>A on the plus strand (G>T on the coding strand, the complement: ACTA1 is on the minus strand). VCF-style: chr1-229431559-C-A. GRCh37 (hg19) VCF-style: chr1-229567306-C-A.
Other names: NM_001100.4(ACTA1):c.1074G>T; short protein forms W358C.
Identifiers: ClinVar variation 127188 (VCV000127188.14), dbSNP rs587777354, ClinGen allele CA269775.

ClinVar aggregate classification (germline): Likely pathogenic. Review status: reviewed by expert panel (3 of 4 stars). 3 submissions from 3 submitters: Likely pathogenic (1). 2 of the submissions do not count toward it. Last evaluated 2024-08-27.

Conditions:
Alpha-actinopathy. Also called: Actinopathy. Identifiers: MedGen CN295279, MONDO:0100084.
Actin accumulation myopathy (CMYO2A). Also called: Nemaline myopathy type 3; Myopathy, actin, congenital, with excess of thin myofilaments; CONGENITAL MYOPATHY 2A, TYPICAL, AUTOSOMAL DOMINANT; Myopathy, actin, congenital, with cores; Nemaline myopathy 3, with intranuclear rods. Identifiers: Orphanet 98904, MedGen C3711389, MONDO:0008070, OMIM 161800.

Submissions (3):

ClinGen Congenital Myopathies Variant Curation Expert Panel, ClinGen
Classification: Likely pathogenic for Alpha-actinopathy. Last evaluated: 2024-08-27. Review status: reviewed by expert panel. Criteria: ClinGen CongenMyopathy ACMG Specifications ACTA1_AD_ V2.0.0. Collection method: curation. Allele origin: germline. Inheritance: Autosomal dominant inheritance.
Comment: The c.1074G>T (p.Trp358Cys) variant in ACTA1 is a missense variant predicted to cause substitution of tryptophan by cysteine at amino acid 358. This variant is absent from gnomAD v4.1.0 (PM2_Supporting). The computational predictor REVEL gives a score of 0.957, which is above the threshold of 0.7, evidence that correlates with impact to ACTA1 function (PP3). ACTA1, in which the variant was identified, is defined by the ClinGen Congenital Myopathies VCEP as a gene that has a low rate of benign missense variation and where pathogenic missense variants are a common mechanism of disease (PP2). This variant has been reported in 2 probands, one with nemaline rods in muscle biopsy (as well as dilated cardiomyopathy) and the other an infant with hypotonia (PS4_Supporting, PP4_Moderate; PMID: 23650303, Invitae SCV001393788.5). In summary, this variant meets the criteria to be classified as likely pathogenic for autosomal dominant alpha-actinopathy based on the ACMG/AMP criteria applied, as specified by the ClinGen Congenital Myopathies VCEP: PP4_Moderate, PS4_Supporting, PM2_Supporting, PP2, PP3. (Congenital Myopathies VCEP specifications version 2; 08/27/2024)

Labcorp Genetics (formerly Invitae), Labcorp
Classification: Likely pathogenic for Actin accumulation myopathy. Last evaluated: 2023-02-04. Review status: criteria provided, single submitter. Criteria: Invitae Variant Classification Sherloc (09022015). Collection method: clinical testing. Allele origin: germline. Not counted in ClinVar's aggregate classification.
Comment: In summary, the currently available evidence indicates that the variant is pathogenic, but additional data are needed to prove that conclusively. Therefore, this variant has been classified as Likely Pathogenic. Advanced modeling of protein sequence and biophysical properties (such as structural, functional, and spatial information, amino acid conservation, physicochemical variation, residue mobility, and thermodynamic stability) performed at Invitae indicates that this missense variant is not expected to disrupt ACTA1 protein function. ClinVar contains an entry for this variant (Variation ID: 127188). This missense change has been observed in individuals with clinical features of autosomal dominant ACTA1-related conditions (PMID: 23650303; Invitae). This variant is not present in population databases (gnomAD no frequency). This sequence change replaces tryptophan, which is neutral and slightly polar, with cysteine, which is neutral and slightly polar, at codon 358 of the ACTA1 protein (p.Trp358Cys).

OMIM
Classification: Pathogenic for CONGENITAL MYOPATHY 2A, TYPICAL, AUTOSOMAL DOMINANT. Last evaluated: 2013-06-01. Review status: no assertion criteria provided. Collection method: literature only. Allele origin: germline. Not counted in ClinVar's aggregate classification.

Literature cited by the submitters: PubMed 23650303 (cited by Labcorp Genetics (formerly Invitae), Labcorp and OMIM).